The following is an entry in ClinVar:

NM_000112.4(SLC26A2):c.1810_1811del (p.Val604fs)

Gene: SLC26A2 (solute carrier family 26 member 2; plus strand). Cytogenetic location: 5q32.
Variant type: Deletion.
Coding change: c.1810_1811del on transcript NM_000112.4 (MANE Select); coding-DNA positions 1810 to 1811, 2 bases deleted (GT; older notation c.1810_1811delGT).
Protein change: p.Val604fs; shifts the reading frame from valine 604.
Molecular consequence: frameshift variant.
Genome position (GRCh38, 1-based): chr5:149,981,403-149,981,404, GT deleted; deleting any 2 consecutive bases within chr5:149,981,402-149,981,404 gives the same sequence; the c. name uses the placement nearest the transcript's 3' end. VCF-style (leftmost placement, unchanged base first): chr5-149981401-CTG-C. GRCh37 (hg19) VCF-style: chr5-149360964-CTG-C.
Other names: short protein forms V604fs.
Identifiers: ClinVar variation 1388388 (VCV001388388.6), dbSNP rs2113699284, ClinGen allele CA2573139282.

ClinVar aggregate classification (germline): Pathogenic (1 of 4 stars; one submission).

Conditions:
Achondrogenesis, type IB (ACG1B). Also called: Achondrogenesis Type 1B. Identifiers: Orphanet 932, Orphanet 93298, MedGen C0265274, MONDO:0010966, OMIM 600972.
Atelosteogenesis type II (AO2). Also called: NEONATAL OSSEOUS DYSPLASIA I; Neonatal osseous dysplasia 1; SLC26A2-Related Atelosteogenesis. Identifiers: Orphanet 56304, MedGen C1850554, MONDO:0009727, OMIM 256050.
Diastrophic dysplasia (DTD). Also called: Diastrophic dwarfism. Identifiers: Orphanet 628, MedGen C0220726, MONDO:0009107, OMIM 222600.
Multiple epiphyseal dysplasia type 4 (EDM4). Also called: SLC26A2-Related Multiple Epiphyseal Dysplasia; Multiple Epiphyseal Dysplasia, Recessive; MULTIPLE EPIPHYSEAL DYSPLASIA WITH BILAYERED PATELLAE; MULTIPLE EPIPHYSEAL DYSPLASIA WITH CLUBFOOT; MULTIPLE EPIPHYSEAL DYSPLASIA, AUTOSOMAL RECESSIVE. Identifiers: Orphanet 93307, MedGen C1847593, MONDO:0009189, OMIM 226900.

Submission:

Labcorp Genetics (formerly Invitae), Labcorp
Classification: Pathogenic for Atelosteogenesis type II; Multiple epiphyseal dysplasia type 4; Achondrogenesis, type IB; Diastrophic dysplasia. Last evaluated: 2021-07-31. Review status: criteria provided, single submitter. Criteria: Invitae Variant Classification Sherloc (09022015). Collection method: clinical testing. Allele origin: germline.
Comment: This variant disrupts a region of the SLC26A2 protein in which other variant(s) (p.Ala715Val) have been determined to be pathogenic (PMID: 8571951, 21077204, 21922596; Invitae). This suggests that this is a clinically significant region of the protein, and that variants that disrupt it are likely to be disease-causing. This variant has not been reported in the literature in individuals affected with SLC26A2-related conditions. This variant is not present in population databases (ExAC no frequency). This sequence change creates a premature translational stop signal (p.Val604Glnfs*30) in the SLC26A2 gene. While this is not anticipated to result in nonsense mediated decay, it is expected to disrupt the last 136 amino acid(s) of the SLC26A2 protein. For these reasons, this variant has been classified as Pathogenic.

Literature cited by the submitters: PubMed 8571951; PubMed 21077204; PubMed 21922596.